The following is an entry in ClinVar:

ClinVar aggregate classification (germline): Uncertain significance (1 of 4 stars; one submission).

Conditions:
Galactosylceramide beta-galactosidase deficiency. Also called: Leukodystrophy, Globoid Cell; GALACTOCEREBROSIDASE DEFICIENCY; GALC DEFICIENCY; GLOBOID CELL LEUKOENCEPHALOPATHY; Krabbe Disease. Identifiers: Orphanet 487, MedGen C0023521, MONDO:0009499, OMIM 245200.

Allele frequency attached by ClinVar (database versions not stated): TOPMed below 0.00001; gnomAD 0.00001; 1000 Genomes Project 30x 0.00016.
gnomAD v4.1: 2 of 1,609,754 alleles (0.00012%); highest among the groups gnomAD compares: East Asian, 0.0022%; no homozygotes.

Submission:

Labcorp Genetics (formerly Invitae), Labcorp
Classification: Uncertain significance for Galactosylceramide beta-galactosidase deficiency. Last evaluated: 2021-09-24. Review status: criteria provided, single submitter. Criteria: Invitae Variant Classification Sherloc (09022015). Collection method: clinical testing. Allele origin: germline.
Comment: This sequence change replaces arginine with threonine at codon 593 of the GALC protein (p.Arg593Thr). The arginine residue is weakly conserved and there is a moderate physicochemical difference between arginine and threonine. This variant is not present in population databases (ExAC no frequency). This variant has not been reported in the literature in individuals with GALC-related disease. Algorithms developed to predict the effect of missense changes on protein structure and function output the following: SIFT: "Tolerated"; PolyPhen-2: "Benign"; Align-GVGD: "Class C0". The threonine amino acid residue is found in multiple mammalian species, suggesting that this missense change does not adversely affect protein function. These predictions have not been confirmed by published functional studies and their clinical significance is uncertain. In summary, the available evidence is currently insufficient to determine the role of this variant in disease. Therefore, it has been classified as a Variant of Uncertain Significance.

NM_000153.4(GALC):c.1778G>C (p.Arg593Thr)

Gene: GALC (galactosylceramidase; minus strand). Cytogenetic location: 14q31.3.
Variant type: single nucleotide variant.
Coding change: c.1778G>C on transcript NM_000153.4 (MANE Select); coding-DNA position 1778, G replaced by C.
Protein change: p.Arg593Thr; replaces arginine 593 with threonine.
Molecular consequence: missense variant.
Genome position (GRCh38, 1-based): chr14:87,941,451, C>G on the plus strand (G>C on the coding strand, the complement: GALC is on the minus strand). VCF-style: chr14-87941451-C-G. GRCh37 (hg19) VCF-style: chr14-88407795-C-G.
Other names: c.1709G>C, p.Arg570Thr (NM_001201401.2); c.1700G>C, p.Arg567Thr (NM_001201402.2); short protein forms R567T, R593T, R570T.
Identifiers: ClinVar variation 1375636 (VCV001375636.5), dbSNP rs1566969057, ClinGen allele CA390745701.